The following is an entry in ClinVar:

ClinVar aggregate classification (germline): Uncertain significance (1 of 4 stars; one submission).

gnomAD v4.1: 5 of 1,614,070 alleles (0.00031%); highest among the groups gnomAD compares: Non-Finnish European, 0.00042%; no homozygotes.

Submission:

Women's Health and Genetics/Laboratory Corporation of America, LabCorp
Classification: Uncertain significance. Last evaluated: 2024-07-29. Review status: criteria provided, single submitter. Criteria: LabCorp Variant Classification Summary - May 2015. Collection method: clinical testing. Allele origin: germline.
Comment: Variant summary: ABCC8 c.1513G>T (p.Gly505Cys) results in a non-conservative amino acid change located in the ABC transporter type 1, transmembrane domain (IPR011527) of the encoded protein sequence. Five of five in-silico tools predict a damaging effect of the variant on protein function. The variant was absent in 250992 control chromosomes. The available data on variant occurrences in the general population are insufficient to allow any conclusion about variant significance. c.1513G>T has been reported in the literature in at least one heterozygous individual affected with hyperinsulinism (e.g. DeFranco_2020). This report does not provide unequivocal conclusions about association of the variant with Familial Hyperinsulinism. To our knowledge, no experimental evidence demonstrating an impact on protein function has been reported. The following publication has been ascertained in the context of this evaluation (PMID: 32027066). No submitters have cited clinical-significance assessments for this variant to ClinVar. Based on the evidence outlined above, the variant was classified as uncertain significance.

Literature cited by the submitters: PubMed 32027066.

NM_000352.6(ABCC8):c.1513G>T (p.Gly505Cys)

Gene: ABCC8 (ATP binding cassette subfamily C member 8; minus strand). Cytogenetic location: 11p15.1.
Variant type: single nucleotide variant.
Coding change: c.1513G>T on transcript NM_000352.6 (MANE Select); coding-DNA position 1513, G replaced by T.
Protein change: p.Gly505Cys; replaces glycine 505 with cysteine.
Molecular consequence: missense variant. On other transcripts: non-coding transcript variant (1).
Genome position (GRCh38, 1-based): chr11:17,442,837, C>A on the plus strand (G>T on the coding strand, the complement: ABCC8 is on the minus strand). VCF-style: chr11-17442837-C-A. GRCh37 (hg19) VCF-style: chr11-17464384-C-A.
Other names: c.1513G>T, p.Gly505Cys (NM_001287174.3, NM_001351295.2); c.1510G>T, p.Gly504Cys (NM_001351296.2, NM_001351297.2); short protein forms G504C, G505C.
Identifiers: ClinVar variation 3339279 (VCV003339279.1).